The following is an entry in ClinVar:

ClinVar aggregate classification (germline): Uncertain significance (1 of 4 stars; one submission).

Submission:

Labcorp Genetics (formerly Invitae), Labcorp
Classification: Uncertain significance. Last evaluated: 2023-08-09. Review status: criteria provided, single submitter. Criteria: Invitae Variant Classification Sherloc (09022015). Collection method: clinical testing. Allele origin: germline.
Comment: This sequence change replaces aspartic acid, which is acidic and polar, with histidine, which is basic and polar, at codon 197 of the ROM1 protein (p.Asp197His). This variant is not present in population databases (gnomAD no frequency). In summary, the available evidence is currently insufficient to determine the role of this variant in disease. Therefore, it has been classified as a Variant of Uncertain Significance. An algorithm developed to predict the effect of missense changes on protein structure and function (PolyPhen-2) suggests that this variant is likely to be disruptive. This variant has not been reported in the literature in individuals affected with ROM1-related conditions.

NM_000327.4(ROM1):c.589G>C (p.Asp197His)

Gene: ROM1 (retinal outer segment membrane protein 1; plus strand). Cytogenetic location: 11q12.3.
Variant type: single nucleotide variant.
Coding change: c.589G>C on transcript NM_000327.4 (MANE Select); coding-DNA position 589, G replaced by C.
Protein change: p.Asp197His; replaces aspartic acid 197 with histidine.
Molecular consequence: missense variant.
Genome position (GRCh38, 1-based): chr11:62,613,870, G>C. VCF-style: chr11-62613870-G-C. GRCh37 (hg19) VCF-style: chr11-62381342-G-C.
Other names: short protein forms D197H.
Identifiers: ClinVar variation 2911691 (VCV002911691.3), dbSNP rs2496223881, ClinGen allele CA380970595.